The following is an entry in ClinVar:

ClinVar aggregate classification (germline): Uncertain significance (1 of 4 stars; one submission).

Conditions:
Cystinuria (CSNU). Also called: CYSTINURIA, TYPE I; CYSTINURIA, TYPE II; CYSTINURIA, TYPE III; Cystinuria, non-type I. Identifiers: Orphanet 214, MedGen C0010691, MONDO:0009067, OMIM 220100, HP:0003131.

gnomAD v4.1: 1 of 1,613,994 alleles (0.000062%); highest among the groups gnomAD compares: Non-Finnish European, 0.000085%; no homozygotes.

Submission:

Labcorp Genetics (formerly Invitae), Labcorp
Classification: Uncertain significance for Cystinuria. Last evaluated: 2025-07-29. Review status: criteria provided, single submitter. Criteria: Invitae Variant Classification Sherloc (09022015). Collection method: clinical testing. Allele origin: germline.
Comment: This sequence change replaces tyrosine, which is neutral and polar, with cysteine, which is neutral and slightly polar, at codon 237 of the SLC3A1 protein (p.Tyr237Cys). This variant is not present in population databases (gnomAD no frequency). This variant has not been reported in the literature in individuals affected with SLC3A1-related conditions. Invitae Evidence Modeling of protein sequence and biophysical properties (such as structural, functional, and spatial information, amino acid conservation, physicochemical variation, residue mobility, and thermodynamic stability) has been performed for this missense variant. However, the output from this modeling did not meet the statistical confidence thresholds required to predict the impact of this variant on SLC3A1 protein function. In summary, the available evidence is currently insufficient to determine the role of this variant in disease. Therefore, it has been classified as a Variant of Uncertain Significance.

NM_000341.4(SLC3A1):c.710A>G (p.Tyr237Cys)

Gene: SLC3A1 (solute carrier family 3 member 1; plus strand). Cytogenetic location: 2p21.
Variant type: single nucleotide variant.
Coding change: c.710A>G on transcript NM_000341.4 (MANE Select); coding-DNA position 710, A replaced by G.
Protein change: p.Tyr237Cys; replaces tyrosine 237 with cysteine.
Molecular consequence: missense variant.
Genome position (GRCh38, 1-based): chr2:44,281,486, A>G. VCF-style: chr2-44281486-A-G. GRCh37 (hg19) VCF-style: chr2-44508625-A-G.
Other names: short protein forms Y237C.
Identifiers: ClinVar variation 4771049 (VCV004771049.1).
Genomic context (GRCh38, chr2:44,281,486, plus strand): 5'-GTGATAAACATATTTGGTTTCAATTGAGTCGGACACGGACAGGAAAATATACTGATTATT[A>G]TATCTGGCATGACTGTACCCATGAAAATGGCAAAACCATTCCACCCAACAACTGGGTAAG-3'
Protein context (NP_000332.2, residues 227-247): RTRTGKYTDY[Tyr237Cys]IWHDCTHENG